The following is an entry in ClinVar:

NM_024537.4(CARS2):c.1118T>C (p.Phe373Ser)

Gene: CARS2 (cysteinyl-tRNA synthetase 2, mitochondrial; minus strand). Cytogenetic location: 13q34.
Variant type: single nucleotide variant.
Coding change: c.1118T>C on transcript NM_024537.4 (MANE Select); coding-DNA position 1118, T replaced by C.
Protein change: p.Phe373Ser; replaces phenylalanine 373 with serine.
Molecular consequence: missense variant. On other transcripts: non-coding transcript variant (2).
Genome position (GRCh38, 1-based): chr13:110,647,176, A>G on the plus strand (T>C on the coding strand, the complement: CARS2 is on the minus strand). VCF-style: chr13-110647176-A-G. GRCh37 (hg19) VCF-style: chr13-111299523-A-G.
Other names: c.332T>C, p.Phe111Ser (NM_001352252.2); short protein forms F373S, F111S.
Identifiers: ClinVar variation 475615 (VCV000475615.6), dbSNP rs753952896, ClinGen allele CA7051906.

ClinVar aggregate classification (germline): Uncertain significance (1 of 4 stars; one submission).

Conditions:
Combined oxidative phosphorylation defect type 27. Also called: Combined oxidative phosphorylation deficiency 27. Identifiers: Orphanet 477774, MedGen C5567608, MONDO:0014728, OMIM 616672.

Allele frequency attached by ClinVar (database versions not stated): gnomAD exomes 0.00001 and 0.00002; ExAC 0.00002; TOPMed 0.00002.
gnomAD v4.1: 16 of 1,613,032 alleles (0.00099%); highest among the groups gnomAD compares: Admixed American, 0.0067%; no homozygotes.

Submission:

Labcorp Genetics (formerly Invitae), Labcorp
Classification: Uncertain significance for Combined oxidative phosphorylation defect type 27. Last evaluated: 2022-06-13. Review status: criteria provided, single submitter. Criteria: Invitae Variant Classification Sherloc (09022015). Collection method: clinical testing. Allele origin: germline.
Comment: This sequence change replaces phenylalanine, which is neutral and non-polar, with serine, which is neutral and polar, at codon 373 of the CARS2 protein (p.Phe373Ser). This variant is present in population databases (rs753952896, gnomAD 0.006%). This missense change has been observed in individual(s) with clinical features of CARS2-related conditions (Invitae). ClinVar contains an entry for this variant (Variation ID: 475615). Algorithms developed to predict the effect of missense changes on protein structure and function (SIFT, PolyPhen-2, Align-GVGD) all suggest that this variant is likely to be disruptive. In summary, the available evidence is currently insufficient to determine the role of this variant in disease. Therefore, it has been classified as a Variant of Uncertain Significance.